The following is an entry in ClinVar:

ClinVar aggregate classification (germline): Uncertain significance. Review status: criteria provided, multiple submitters, no conflicts (2 of 4 stars). 4 submissions from 4 submitters: Uncertain significance (4). Last evaluated 2025-08-17.

Conditions:
Cardiomyopathy (CMYO). Also called: Cardiomyopathies. Identifiers: Orphanet 167848, MedGen C0878544, MONDO:0004994, HP:0001638. Inheritance: Various modes of inheritance.
Familial isolated arrhythmogenic right ventricular dysplasia. Identifiers: Orphanet 217656, MedGen C4274968, MONDO:0016342.
Arrhythmogenic right ventricular dysplasia 11. Also called: ARRHYTHMOGENIC RIGHT VENTRICULAR DYSPLASIA, FAMILIAL, 11; Arrhythmogenic Right Ventricular Dysplasia/Cardiomyopathy11; Arrhythmogenic right ventricular dysplasia 11 with mild palmoplantar keratoderma and woolly hair. Identifiers: MedGen C1864850, MONDO:0012506, OMIM 610476.

Allele frequency attached by ClinVar (database versions not stated): ExAC 0.00001; gnomAD exomes below 0.00001; TOPMed 0.00002; gnomAD 0.00001.
gnomAD v4.1: 5 of 1,613,920 alleles (0.00031%); highest among the groups gnomAD compares: Non-Finnish European, 0.00042%; no homozygotes.

Submissions (4):

Labcorp Genetics (formerly Invitae), Labcorp
Classification: Uncertain significance for Arrhythmogenic right ventricular dysplasia 11. Last evaluated: 2025-08-17. Review status: criteria provided, single submitter. Criteria: Invitae Variant Classification Sherloc (09022015). Collection method: clinical testing. Allele origin: germline.
Comment: This sequence change replaces serine, which is neutral and polar, with arginine, which is basic and polar, at codon 502 of the DSC2 protein (p.Ser502Arg). This variant is present in population databases (rs756803622, gnomAD 0.0009%). This variant has not been reported in the literature in individuals affected with DSC2-related conditions. ClinVar contains an entry for this variant (Variation ID: 923810). Invitae Evidence Modeling of protein sequence and biophysical properties (such as structural, functional, and spatial information, amino acid conservation, physicochemical variation, residue mobility, and thermodynamic stability) indicates that this missense variant is not expected to disrupt DSC2 protein function with a negative predictive value of 80%. In summary, the available evidence is currently insufficient to determine the role of this variant in disease. Therefore, it has been classified as a Variant of Uncertain Significance.

GeneDx
Classification: Uncertain significance. Last evaluated: 2025-03-11. Review status: criteria provided, single submitter. Criteria: GeneDx Variant Classification Process June 2021. Collection method: clinical testing. Allele origin: germline. Affected: yes.
Comment: Not observed at significant frequency in large population cohorts (gnomAD); In silico analysis supports that this missense variant has a deleterious effect on protein structure/function; Has not been previously published as pathogenic or benign to our knowledge

Color Diagnostics, LLC DBA Color Health
Classification: Uncertain significance for Cardiomyopathy. Last evaluated: 2024-03-06. Review status: criteria provided, single submitter. Criteria: ACMG Guidelines, 2015. Collection method: clinical testing. Allele origin: germline.
Comment: This missense variant replaces serine with arginine at codon 502 of the DSC2 protein. Computational prediction suggests that this variant may not impact protein structure and function (internally defined REVEL score threshold <= 0.5, PMID: 27666373). Splice site prediction tools suggest that this variant may not impact RNA splicing. To our knowledge, functional studies have not been performed for this variant. This variant has not been reported in individuals affected with cardiovascular disorders in the literature. This variant has been identified in 1/251128 chromosomes in the general population by the Genome Aggregation Database (gnomAD). The available evidence is insufficient to determine the role of this variant in disease conclusively. Therefore, this variant is classified as a Variant of Uncertain Significance.

All of Us Research Program, National Institutes of Health
Classification: Uncertain significance for Familial isolated arrhythmogenic right ventricular dysplasia. Last evaluated: 2023-06-28. Review status: criteria provided, single submitter. Criteria: ACMG Guidelines, 2015. Collection method: clinical testing. Allele origin: germline. Inheritance: Autosomal dominant inheritance. Observed: 1 variant allele, 1 heterozygote.
Comment: This missense variant replaces serine with arginine at codon 502 of the DSC2 protein. Computational prediction suggests that this variant may not impact protein structure and function (internally defined REVEL score threshold <= 0.5, PMID: 27666373). Splice site prediction tools suggest that this variant may not impact RNA splicing. To our knowledge, functional studies have not been performed for this variant. This variant has not been reported in individuals affected with cardiovascular disorders in the literature. This variant has been identified in 1/251128 chromosomes in the general population by the Genome Aggregation Database (gnomAD). The available evidence is insufficient to determine the role of this variant in disease conclusively. Therefore, this variant is classified as a Variant of Uncertain Significance.

This study involves interpretation of variants in research participants for the purpose of population health screening. Participant phenotype was not available at the time of variant classification. Additional details can be found in publication PMID: 35346344, PMCID: PMC8962531

NM_024422.6(DSC2):c.1506T>A (p.Ser502Arg)

Gene: DSC2 (desmocollin 2; minus strand). Cytogenetic location: 18q12.1.
Variant type: single nucleotide variant.
Coding change: c.1506T>A on transcript NM_024422.6 (MANE Select); coding-DNA position 1506, T replaced by A.
Protein change: p.Ser502Arg; replaces serine 502 with arginine.
Molecular consequence: missense variant.
Genome position (GRCh38, 1-based): chr18:31,080,110, A>T on the plus strand (T>A on the coding strand, the complement: DSC2 is on the minus strand). VCF-style: chr18-31080110-A-T. GRCh37 (hg19) VCF-style: chr18-28660076-A-T.
Other names: c.1506T>A, p.Ser502Arg (NM_004949.5); short protein forms S502R.
Identifiers: ClinVar variation 923810 (VCV000923810.8), dbSNP rs756803622, ClinGen allele CA031555.